The following is an entry in ClinVar:

ClinVar aggregate classification (germline): Benign/Likely benign. Review status: criteria provided, multiple submitters, no conflicts (2 of 4 stars). 7 submissions from 7 submitters: Benign (5); Likely benign (2). Last evaluated 2026-08-01.

Conditions:
Nephronophthisis 15 (NPHP15). Identifiers: Orphanet 3156, MedGen C3541853, MONDO:0013917, OMIM 614845.

Allele frequency attached by ClinVar (database versions not stated): gnomAD exomes 0.00436 and 0.00986; ExAC 0.01119; ESP Exome Variant Server 0.01393; gnomAD 0.01531 and 0.01578; TOPMed 0.01671; 1000 Genomes Project 30x 0.02795; 1000 Genomes Project 0.02895.
gnomAD v4.1: 8,987 of 1,614,018 alleles (0.56%); highest among the groups gnomAD compares: African/African-American, 4.9%; 227 homozygotes.

Submissions (7):

CeGaT Center for Human Genetics Tuebingen
Classification: Benign. Last evaluated: 2026-08-01. Review status: criteria provided, single submitter. Criteria: CeGaT Center For Human Genetics Tuebingen Variant Classification Criteria Version 2. Collection method: clinical testing. Allele origin: germline. Affected: yes. Observed: 3 variant alleles.
Comment: CEP164: BP4, BS1, BS2

Labcorp Genetics (formerly Invitae), Labcorp
Classification: Benign for Nephronophthisis 15. Last evaluated: 2026-02-02. Review status: criteria provided, single submitter. Criteria: Invitae Variant Classification Sherloc (09022015). Collection method: clinical testing. Allele origin: germline.

Blueprint Genetics
Classification: Likely benign. Last evaluated: 2024-11-15. Review status: criteria provided, single submitter. Criteria: ACMG Guidelines, 2015. Collection method: clinical testing. Allele origin: germline.

Mayo Clinic Laboratories, Mayo Clinic
Classification: Benign. Last evaluated: 2024-01-23. Review status: criteria provided, single submitter. Criteria: ACMG Guidelines, 2015. Collection method: clinical testing. Allele origin: germline. Observed: 4 variant alleles.
Comment: BS1, BS2, BP4

GeneDx
Classification: Likely benign. Last evaluated: 2021-05-04. Review status: criteria provided, single submitter. Criteria: GeneDx Variant Classification Process June 2021. Collection method: clinical testing. Allele origin: germline. Affected: yes.
Comment: See Variant Classification Assertion Criteria.

Breakthrough Genomics
Classification: Benign. Review status: criteria provided, single submitter. Criteria: ACMG Guidelines, 2015. Collection method: not provided. Allele origin: germline. Inheritance: Autosomal recessive inheritance. Affected: yes.

PreventionGenetics, part of Exact Sciences
Classification: Benign. Review status: criteria provided, single submitter. Criteria: ACMG Guidelines, 2015. Collection method: clinical testing. Allele origin: germline.

NM_014956.5(CEP164):c.3716C>T (p.Pro1239Leu)

Gene: CEP164 (centrosomal protein 164; plus strand). Cytogenetic location: 11q23.3.
Variant type: single nucleotide variant.
Coding change: c.3716C>T on transcript NM_014956.5 (MANE Select); coding-DNA position 3716, C replaced by T.
Protein change: p.Pro1239Leu; replaces proline 1239 with leucine.
Molecular consequence: missense variant.
Genome position (GRCh38, 1-based): chr11:117,408,996, C>T. VCF-style: chr11-117408996-C-T. GRCh37 (hg19) VCF-style: chr11-117279712-C-T.
Other names: p.Pro1239Leu; c.3725C>T, p.Pro1242Leu (NM_001271933.2); short protein forms P1239L, P1242L.
Identifiers: ClinVar variation 260486 (VCV000260486.20), dbSNP rs61995733, ClinGen allele CA6295539.